The following is an entry in ClinVar:

ClinVar aggregate classification (germline): Likely benign (1 of 4 stars; one submission).

Allele frequency attached by ClinVar (database versions not stated): 1000 Genomes Project 0.00020; 1000 Genomes Project 30x 0.00031; gnomAD 0.00061; ExAC 0.00100.
gnomAD v4.1: 1,163 of 1,426,114 alleles (0.082%); highest among the groups gnomAD compares: Middle Eastern, 0.14%; no homozygotes.

Submission:

CeGaT Center for Human Genetics Tuebingen
Classification: Likely benign. Last evaluated: 2024-04-01. Review status: criteria provided, single submitter. Criteria: CeGaT Center For Human Genetics Tuebingen Variant Classification Criteria Version 2. Collection method: clinical testing. Allele origin: germline. Affected: yes. Observed: 1 variant allele.
Comment: SLC9A1: BP4, BP7

NM_003047.5(SLC9A1):c.1485+57G>A

Genes: SLC9A1 (solute carrier family 9 member A1; minus strand), LOC126805673 (MED14-independent group 3 enhancer GRCh37_chr1:27431568-27432767; plus strand). Cytogenetic location: 1p36.11.
Variant type: single nucleotide variant.
Coding change: c.1485+57G>A on transcript NM_003047.5 (MANE Select); 57 bases into the intron after coding-DNA position 1485, G replaced by A.
Molecular consequence: intron variant.
Genome position (GRCh38, 1-based): chr1:27,105,828, C>T on the plus strand (G>A on the coding strand, the complement: SLC9A1 is on the minus strand). VCF-style: chr1-27105828-C-T. GRCh37 (hg19) VCF-style: chr1-27432319-C-T.
Identifiers: ClinVar variation 3234223 (VCV003234223.20), dbSNP rs150015600, ClinGen allele CA711101.
Genomic context (GRCh38, chr1:27,105,828, plus strand): 5'-GTTAGTGGTGGAGCTGGGACTAGAATCGCATTTCAAATCACACGCTTTCCTCTCTTTCCA[C>T]GGGAACAGCCTGTGAGGGTCCCCAAGGCAAGGGCCTGCCCTGCCCTGGCCCAGCACCTGC-3'